The following is an entry in ClinVar:

NM_001267550.2(TTN):c.91425C>T (p.Asp30475=)

Genes: TTN (titin; minus strand), TTN-AS1 (TTN antisense RNA 1; plus strand). Cytogenetic location: 2q31.2.
Variant type: single nucleotide variant.
Coding change: c.91425C>T on transcript NM_001267550.2 (MANE Select); coding-DNA position 91425, C replaced by T.
Protein change: p.Asp30475=; no amino-acid change (aspartic acid 30475 retained).
Molecular consequence: synonymous variant.
Genome position (GRCh38, 1-based): chr2:178,551,106, G>A on the plus strand (C>T on the coding strand, the complement: TTN is on the minus strand). VCF-style: chr2-178551106-G-A. GRCh37 (hg19) VCF-style: chr2-179415833-G-A.
Other names: c.86502C>T, p.Asp28834= (NM_001256850.1); c.83721C>T, p.Asp27907= (NM_133378.4); c.64230C>T, p.Asp21410= (NM_003319.4); c.64605C>T, p.Asp21535= (NM_133432.3); c.64806C>T, p.Asp21602= (NM_133437.4).
Identifiers: ClinVar variation 47508 (VCV000047508.68), dbSNP rs145133144, ClinGen allele CA141214.
Genomic context (GRCh38, chr2:178,551,106, plus strand): 5'-TCTGAACTCATAGCGATCCCCAGGACTGAGTCCTGTAACTGTGTACTGACATTCACTGAC[G>A]TCAGTAAAGTTGCATCTCACCCAGCGTTCATTTCCTTGCCGTTTCTCAATGCTATAGCCC-3'
Protein context (NP_001254479.2, residues 30465-30485): NERWVRCNFT[Asp30475=]VSECQYTVTG

ClinVar aggregate classification (germline): Conflicting classifications of pathogenicity. Review status: criteria provided, conflicting classifications (1 of 4 stars). 17 submissions from 13 submitters: Uncertain significance (4); Benign (4); Likely benign (6). 3 of the submissions do not count toward it. Last evaluated 2026-01-28.

Conditions:
TTN-related disorder. Also called: TTN-related condition; TTN-related disease; TTN-related disorders.
Cardiovascular phenotype. Identifiers: MedGen CN230736.
Dilated cardiomyopathy 1G (CMD1G). Identifiers: Orphanet 154, MedGen C1858763, MONDO:0011400, OMIM 604145.
Autosomal recessive limb-girdle muscular dystrophy type 2J (LGMDR10). Also called: Limb-girdle muscular dystrophy, type 2J; MUSCULAR DYSTROPHY, LIMB-GIRDLE, AUTOSOMAL RECESSIVE 10. Identifiers: Orphanet 140922, MedGen C1837342, MONDO:0012127, OMIM 608807.
Early-onset myopathy with fatal cardiomyopathy (CMYO5). Also called: Salih Myopathy; CONGENITAL MYOPATHY 5 WITH CARDIOMYOPATHY. Identifiers: Orphanet 289377, MedGen C2673677, MONDO:0012714, OMIM 611705. Disease mechanism: loss of function.
Myopathy, myofibrillar, 9, with early respiratory failure (MFM9). Also called: Hereditary myopathy with early respiratory failure; Myopathy, distal, with early respiratory failure, autosomal dominant; EDSTROM MYOPATHY; MYOPATHY, PROXIMAL, WITH EARLY RESPIRATORY MUSCLE INVOLVEMENT. Identifiers: Orphanet 178464, Orphanet 34521, MedGen C1863599, MONDO:0011362, OMIM 603689.
Tibial muscular dystrophy (TMD). Also called: Udd Distal Myopathy – Tibial Muscular Dystrophy; Tibial muscular dystrophy, tardive; UDD MYOPATHY. Identifiers: Orphanet 609, MedGen C1838244, MONDO:0010870, OMIM 600334.

Allele frequency attached by ClinVar (database versions not stated): gnomAD exomes 0.00010 and 0.00019; 1000 Genomes Project 30x 0.00016; ExAC 0.00019; 1000 Genomes Project 0.00020; gnomAD 0.00025 and 0.00026; TOPMed 0.00034.
gnomAD v4.1: 202 of 1,613,350 alleles (0.013%); highest among the groups gnomAD compares: Middle Eastern, 0.066%; 1 homozygote.

Submissions (17):

Labcorp Genetics (formerly Invitae), Labcorp
Classification: Benign for Dilated cardiomyopathy 1G; Autosomal recessive limb-girdle muscular dystrophy type 2J. Last evaluated: 2026-01-28. Review status: criteria provided, single submitter. Criteria: Invitae Variant Classification Sherloc (09022015). Collection method: clinical testing. Allele origin: germline.

CeGaT Center for Human Genetics Tuebingen
Classification: Likely benign. Last evaluated: 2025-07-01. Review status: criteria provided, single submitter. Criteria: CeGaT Center For Human Genetics Tuebingen Variant Classification Criteria Version 2. Collection method: clinical testing. Allele origin: germline. Affected: yes. Observed: 3 variant alleles.
Comment: TTN: BP4, BP7

Molecular Diagnostic Laboratory for Inherited Cardiovascular Disease, Montreal Heart Institute
Classification: Benign. Last evaluated: 2025-04-09. Review status: criteria provided, single submitter. Criteria: ACMG Guidelines, 2015. Collection method: clinical testing. Allele origin: germline. Affected: no.

Blueprint Genetics
Classification: Likely benign. Last evaluated: 2024-10-11. Review status: criteria provided, single submitter. Criteria: ACMG Guidelines, 2015. Collection method: clinical testing. Allele origin: germline.

GeneDx
Classification: Likely benign. Last evaluated: 2021-06-03. Review status: criteria provided, single submitter. Criteria: GeneDx Variant Classification Process June 2021. Collection method: clinical testing. Allele origin: germline. Affected: yes.

Ambry Genetics
Classification: Likely benign for Cardiovascular phenotype. Last evaluated: 2019-08-16. Review status: criteria provided, single submitter. Criteria: Ambry Variant Classification Scheme 2023. Collection method: clinical testing. Allele origin: germline.

Illumina Laboratory Services, Illumina
Classification: Uncertain significance for Dilated cardiomyopathy 1G. Last evaluated: 2018-01-13. Review status: criteria provided, single submitter. Criteria: ICSL Variant Classification Criteria 13 December 2019. Collection method: clinical testing. Allele origin: germline.

Illumina Laboratory Services, Illumina
Classification: Uncertain significance for Autosomal recessive limb-girdle muscular dystrophy type 2J. Last evaluated: 2018-01-13. Review status: criteria provided, single submitter. Criteria: ICSL Variant Classification Criteria 13 December 2019. Collection method: clinical testing. Allele origin: germline.

Illumina Laboratory Services, Illumina
Classification: Benign for Tibial muscular dystrophy. Last evaluated: 2018-01-13. Review status: criteria provided, single submitter. Criteria: ICSL Variant Classification Criteria 13 December 2019. Collection method: clinical testing. Allele origin: germline.
Comment: This variant was observed in the ICSL laboratory as part of a predisposition screen in an ostensibly healthy population. It had not been previously curated by ICSL or reported in the Human Gene Mutation Database (HGMD: prior to June 1st, 2018), and was therefore a candidate for classification through an automated scoring system. Utilizing variant allele frequency, disease prevalence and penetrance estimates, and inheritance mode, an automated score was calculated to assess if this variant is too frequent to cause the disease. Based on the score and internal cut-off values, a variant classified as benign is not then subjected to further curation. The score for this variant resulted in a classification of benign for this disease.

Illumina Laboratory Services, Illumina
Classification: Uncertain significance for Early-onset myopathy with fatal cardiomyopathy. Last evaluated: 2018-01-13. Review status: criteria provided, single submitter. Criteria: ICSL Variant Classification Criteria 13 December 2019. Collection method: clinical testing. Allele origin: germline.

Illumina Laboratory Services, Illumina
Classification: Benign for Myopathy, myofibrillar, 9, with early respiratory failure. Last evaluated: 2018-01-13. Review status: criteria provided, single submitter. Criteria: ICSL Variant Classification Criteria 13 December 2019. Collection method: clinical testing. Allele origin: germline.
Comment: the same text as in the submission from Illumina Laboratory Services, Illumina above.

Eurofins Ntd Llc (ga)
Classification: Uncertain significance. Last evaluated: 2016-11-15. Review status: criteria provided, single submitter. Criteria: EGL Classification Definitions 2015. Collection method: clinical testing. Allele origin: germline. Observed: 3 variant alleles, 3 heterozygotes.

Genetic Services Laboratory, University of Chicago
Classification: Likely benign. Last evaluated: 2016-06-10. Review status: criteria provided, single submitter. Criteria: ACMG Guidelines, 2015. Collection method: clinical testing. Allele origin: germline. Affected: no.

Laboratory for Molecular Medicine, Mass General Brigham Personalized Medicine
Classification: Likely benign. Last evaluated: 2012-04-03. Review status: criteria provided, single submitter. Criteria: LMM Criteria. Collection method: clinical testing. Allele origin: germline. Observed: 2 variant alleles.
Comment: Asp27907Asp in exon 285 of TTN: This variant is not expected to have clinical si gnificance because it does not alter an amino acid residue and is not located wi thin the splice consensus sequence (dbSNP rs145133144). Asp27907Asp in exon 285 of TTN (rs145133144; allele frequency = n/a)

PreventionGenetics, part of Exact Sciences
Classification: Likely benign for TTN-related condition. Last evaluated: 2019-02-22. Review status: no assertion criteria provided. Collection method: clinical testing. Allele origin: germline. Not counted in ClinVar's aggregate classification.
Comment: This variant is classified as likely benign based on ACMG/AMP sequence variant interpretation guidelines (Richards et al. 2015 PMID: 25741868, with internal and published modifications).

Clinical Genetics DNA and cytogenetics Diagnostics Lab, Erasmus MC, Erasmus Medical Center
Classification: Likely benign. Review status: no assertion criteria provided. Collection method: clinical testing. Allele origin: germline. Affected: yes. Study: VKGL Data-share Consensus. Not counted in ClinVar's aggregate classification.

Clinical Genetics, Academic Medical Center
Classification: Benign. Review status: no assertion criteria provided. Collection method: clinical testing. Allele origin: germline. Affected: yes. Study: VKGL Data-share Consensus. Not counted in ClinVar's aggregate classification.